The following is an entry in ClinVar:

ClinVar aggregate classification (germline): Pathogenic (1 of 4 stars; one submission).

Submission:

Labcorp Genetics (formerly Invitae), Labcorp
Classification: Pathogenic. Last evaluated: 2021-09-24. Review status: criteria provided, single submitter. Criteria: Invitae Variant Classification Sherloc (09022015). Collection method: clinical testing. Allele origin: germline.
Comment: This variant is not present in population databases (ExAC no frequency). This sequence change creates a premature translational stop signal (p.Tyr320*) in the LRPPRC gene. It is expected to result in an absent or disrupted protein product. Loss-of-function variants in LRPPRC are known to be pathogenic (PMID: 26510951). This variant has not been reported in the literature in individuals affected with LRPPRC-related conditions. For these reasons, this variant has been classified as Pathogenic. Algorithms developed to predict the effect of sequence changes on RNA splicing suggest that this variant may create or strengthen a splice site.

Literature cited by the submitters: PubMed 26510951.

NM_133259.4(LRPPRC):c.960T>A (p.Tyr320Ter)

Gene: LRPPRC (leucine rich pentatricopeptide repeat containing; minus strand). Cytogenetic location: 2p21.
Variant type: single nucleotide variant.
Coding change: c.960T>A on transcript NM_133259.4 (MANE Select); coding-DNA position 960, T replaced by A.
Protein change: p.Tyr320Ter; replaces tyrosine 320 with a stop codon.
Molecular consequence: nonsense.
Genome position (GRCh38, 1-based): chr2:43,974,663, A>T on the plus strand (T>A on the coding strand, the complement: LRPPRC is on the minus strand). VCF-style: chr2-43974663-A-T. GRCh37 (hg19) VCF-style: chr2-44201802-A-T.
Other names: short protein forms Y320*.
Identifiers: ClinVar variation 1359952 (VCV001359952.6), dbSNP rs2103715123, ClinGen allele CA346673736.
Genomic context (GRCh38, chr2:43,974,663, plus strand): 5'-TTTAAAACTACCTGGAATATATCTTCTTTCACATGTAACTTTTTCCAAAATTTCTGAGAC[A>T]TACTGAGGATACCCAGCTTTACTGAAGCTAAAAATAATTTGCAGTAAATCACGGTCCATA-3'